The following is an entry in ClinVar:

ClinVar aggregate classification (germline): Uncertain significance (1 of 4 stars; one submission).

Submission:

Labcorp Genetics (formerly Invitae), Labcorp
Classification: Uncertain significance. Last evaluated: 2024-04-10. Review status: criteria provided, single submitter. Criteria: Invitae Variant Classification Sherloc (09022015). Collection method: clinical testing. Allele origin: germline.
Comment: This sequence change replaces threonine, which is neutral and polar, with lysine, which is basic and polar, at codon 322 of the CDH2 protein (p.Thr322Lys). This variant is not present in population databases (gnomAD no frequency). This variant has not been reported in the literature in individuals affected with CDH2-related conditions. ClinVar contains an entry for this variant (Variation ID: 2115811). An algorithm developed to predict the effect of missense changes on protein structure and function (PolyPhen-2) suggests that this variant is likely to be tolerated. In summary, the available evidence is currently insufficient to determine the role of this variant in disease. Therefore, it has been classified as a Variant of Uncertain Significance.

NM_001792.5(CDH2):c.965C>A (p.Thr322Lys)

Gene: CDH2 (cadherin 2; minus strand). Cytogenetic location: 18q12.1.
Variant type: single nucleotide variant.
Coding change: c.965C>A on transcript NM_001792.5 (MANE Select); coding-DNA position 965, C replaced by A.
Protein change: p.Thr322Lys; replaces threonine 322 with lysine.
Molecular consequence: missense variant.
Genome position (GRCh38, 1-based): chr18:28,003,052, G>T on the plus strand (C>A on the coding strand, the complement: CDH2 is on the minus strand). VCF-style: chr18-28003052-G-T. GRCh37 (hg19) VCF-style: chr18-25583016-G-T.
Other names: c.872C>A, p.Thr291Lys (NM_001308176.2); short protein forms T322K, T291K.
Identifiers: ClinVar variation 2115811 (VCV002115811.4), dbSNP rs2510808379, ClinGen allele CA402242777.